The following is an entry in ClinVar:

ClinVar aggregate classification (germline): Uncertain significance (1 of 4 stars; one submission).

Conditions:
Hereditary cancer-predisposing syndrome. Also called: Neoplastic Syndromes, Hereditary; Tumor predisposition; Hereditary Cancer Syndrome; Hereditary neoplastic syndrome. Identifiers: Orphanet 140162, MedGen C0027672, MeSH D009386, MONDO:0015356.

Submission:

Ambry Genetics
Classification: Uncertain significance for Hereditary cancer-predisposing syndrome. Last evaluated: 2025-09-17. Review status: criteria provided, single submitter. Criteria: Ambry Variant Classification Scheme 2023. Collection method: clinical testing. Allele origin: germline.
Comment: The p.W556* variant (also known as c.1667G>A), located in coding exon 4 of the MET gene, results from a G to A substitution at nucleotide position 1667. This changes the amino acid from a tryptophan to a stop codon within coding exon 4. This alteration is expected to result in loss of function by premature protein truncation or nonsense-mediated mRNA decay. However, loss of function has not been established as a mechanism of disease. Based on the available evidence, the clinical significance of this alteration remains unclear.

NM_000245.4(MET):c.1667G>A (p.Trp556Ter)

Gene: MET (MET proto-oncogene, receptor tyrosine kinase; plus strand). Cytogenetic location: 7q31.2.
Variant type: single nucleotide variant.
Coding change: c.1667G>A on transcript NM_000245.4 (MANE Select); coding-DNA position 1667, G replaced by A.
Protein change: p.Trp556Ter; replaces tryptophan 556 with a stop codon.
Molecular consequence: nonsense.
Genome position (GRCh38, 1-based): chr7:116,740,991, G>A. VCF-style: chr7-116740991-G-A. GRCh37 (hg19) VCF-style: chr7-116381045-G-A.
Other names: c.1667G>A, p.Trp556Ter (NM_001127500.3, NM_001324401.3); c.377G>A, p.Trp126Ter (NM_001324402.2); short protein forms W126*, W556*.
Identifiers: ClinVar variation 4647446 (VCV004647446.1).
Genomic context (GRCh38, chr7:116,740,991, plus strand): 5'-TTCAGTGTGGCTGGTGCCACGACAAATGTGTGCGATCGGAGGAATGCCTGAGCGGGACAT[G>A]GACTCAACAGATCTGTCTGCCTGCAATCTACAAGGTAGGAATCTCTAACAGCTGGCATAC-3'